The following is an entry in ClinVar:

ClinVar aggregate classification (germline): Pathogenic (1 of 4 stars; one submission).

Conditions:
Familial hemophagocytic lymphohistiocytosis 2 (FHL2). Also called: PRF1-Related Familial Hemophagocytic Lymphohistiocytosis (PRF1-fHLH). Identifiers: Orphanet 540, MedGen C1863727, MONDO:0011337, OMIM 603553.

Submission:

Labcorp Genetics (formerly Invitae), Labcorp
Classification: Pathogenic for Familial hemophagocytic lymphohistiocytosis 2. Last evaluated: 2025-10-13. Review status: criteria provided, single submitter. Criteria: Invitae Variant Classification Sherloc (09022015). Collection method: clinical testing. Allele origin: germline.
Comment: This sequence change creates a premature translational stop signal (p.Trp428*) in the PRF1 gene. While this is not anticipated to result in nonsense mediated decay, it is expected to disrupt the last 128 amino acid(s) of the PRF1 protein. This variant is not present in population databases (gnomAD no frequency). This premature translational stop signal has been observed in individual(s) with familial hemophagocytic lymphohistiocytosis (PMID: 17873118, 19484379). This variant is also known as R428X. ClinVar contains an entry for this variant (Variation ID: 2735410). This variant disrupts a region of the PRF1 protein in which other variant(s) (p.Thr450Met) have been determined to be pathogenic (PMID: 15632205, 17266056, 19487666, 21881043, 25233452, 26903364). This suggests that this is a clinically significant region of the protein, and that variants that disrupt it are likely to be disease-causing. For these reasons, this variant has been classified as Pathogenic.

Literature cited by the submitters: PubMed 17873118; PubMed 19484379; PubMed 15632205; PubMed 17266056; PubMed 19487666; PubMed 21881043; PubMed 25233452; PubMed 26903364.

NM_001083116.3(PRF1):c.1283G>A (p.Trp428Ter)

Gene: PRF1 (perforin 1; minus strand). Cytogenetic location: 10q22.1.
Variant type: single nucleotide variant.
Coding change: c.1283G>A on transcript NM_001083116.3 (MANE Select); coding-DNA position 1283, G replaced by A.
Protein change: p.Trp428Ter; replaces tryptophan 428 with a stop codon.
Molecular consequence: nonsense.
Genome position (GRCh38, 1-based): chr10:70,598,438, C>T on the plus strand (G>A on the coding strand, the complement: PRF1 is on the minus strand). VCF-style: chr10-70598438-C-T. GRCh37 (hg19) VCF-style: chr10-72358194-C-T.
Other names: c.1283G>A, p.Trp428Ter (NM_005041.6); short protein forms W428*.
Identifiers: ClinVar variation 2735410 (VCV002735410.3), dbSNP rs747646127, ClinGen allele CA376956174.